The following is an entry in ClinVar:

ClinVar aggregate classification (germline): Uncertain significance (1 of 4 stars; one submission).

Allele frequency attached by ClinVar (database versions not stated): gnomAD exomes below 0.00001.

Submission:

Labcorp Genetics (formerly Invitae), Labcorp
Classification: Uncertain significance. Last evaluated: 2021-05-18. Review status: criteria provided, single submitter. Criteria: Invitae Variant Classification Sherloc (09022015). Collection method: clinical testing. Allele origin: germline.
Comment: This sequence change replaces valine with methionine at codon 413 of the C1S protein (p.Val413Met). The valine residue is weakly conserved and there is a small physicochemical difference between valine and methionine. In summary, the available evidence is currently insufficient to determine the role of this variant in disease. Therefore, it has been classified as a Variant of Uncertain Significance. Algorithms developed to predict the effect of missense changes on protein structure and function are either unavailable or do not agree on the potential impact of this missense change (SIFT: "Tolerated"; PolyPhen-2: "Possibly Damaging"; Align-GVGD: "Class C0"). This variant is not present in population databases (ExAC no frequency). This variant has not been reported in the literature in individuals with C1S-related conditions.

NM_001734.5(C1S):c.1237G>A (p.Val413Met)

Gene: C1S (complement C1s; plus strand). Cytogenetic location: 12p13.31.
Variant type: single nucleotide variant.
Coding change: c.1237G>A on transcript NM_001734.5 (MANE Select); coding-DNA position 1237, G replaced by A.
Protein change: p.Val413Met; replaces valine 413 with methionine.
Molecular consequence: missense variant.
Genome position (GRCh38, 1-based): chr12:7,068,497, G>A. VCF-style: chr12-7068497-G-A. GRCh37 (hg19) VCF-style: chr12-7175801-G-A.
Other names: c.736G>A, p.Val246Met (NM_001346850.2); c.1237G>A, p.Val413Met (NM_201442.4); short protein forms V413M, V246M.
Identifiers: ClinVar variation 1353199 (VCV001353199.8), dbSNP rs782634441, ClinGen allele CA232456408.